The following is an entry in ClinVar:

NM_020686.6(ABAT):c.367-3C>T

Gene: ABAT (4-aminobutyrate aminotransferase; plus strand). Cytogenetic location: 16p13.2.
Variant type: single nucleotide variant.
Coding change: c.367-3C>T on transcript NM_020686.6 (MANE Select); 3 bases into the intron before coding-DNA position 367, C replaced by T.
Molecular consequence: intron variant.
Genome position (GRCh38, 1-based): chr16:8,764,066, C>T. VCF-style: chr16-8764066-C-T. GRCh37 (hg19) VCF-style: chr16-8857923-C-T.
Other names: c.232-3C>T (NM_001386610.1, NM_001386611.1, NM_001386612.1 and 1 more transcripts); c.121-3C>T (NM_001386614.1); c.367-3C>T (NM_001386603.1, NM_001386600.1, NM_001386604.1 and 10 more transcripts); c.463-3C>T (NM_001386615.1).
Identifiers: ClinVar variation 1484837 (VCV001484837.3), dbSNP rs367740820, ClinGen allele CA7893099.
Genomic context (GRCh38, chr16:8,764,066, plus strand): 5'-TTTGTGGGCAGGGAGCTGGGTCAGGCCCCCAGAAGTCACCATTTGTCTCTTGCCCTTTTG[C>T]AGAGCATGTTTGTCAACAGACCCGCCCTCGGAATCCTGCCTCCGGAGAACTTTGTGGAGA-3'

ClinVar aggregate classification (germline): Uncertain significance (1 of 4 stars; one submission).

Conditions:
Gamma-aminobutyric acid transaminase deficiency (GABATD). Also called: GABA transaminase deficiency; Gamma aminobutyrate transaminase deficiency; 4 alpha aminobutyrate transaminase deficiency; GABA aminotransaminase deficiency. Identifiers: Orphanet 2066, MedGen C0342708, MONDO:0013166, OMIM 613163.

Allele frequency attached by ClinVar (database versions not stated): gnomAD exomes 0.00001; ExAC 0.00002; gnomAD 0.00006; ESP Exome Variant Server 0.00008; TOPMed 0.00009.
gnomAD v4.1: 15 of 1,613,654 alleles (0.00093%); highest among the groups gnomAD compares: African/African-American, 0.02%; no homozygotes.

Submission:

Labcorp Genetics (formerly Invitae), Labcorp
Classification: Uncertain significance for Gamma-aminobutyric acid transaminase deficiency. Last evaluated: 2022-10-17. Review status: criteria provided, single submitter. Criteria: Invitae Variant Classification Sherloc (09022015). Collection method: clinical testing. Allele origin: germline.
Comment: This sequence change falls in intron 6 of the ABAT gene. It does not directly change the encoded amino acid sequence of the ABAT protein. It affects a nucleotide within the consensus splice site. This variant is present in population databases (rs367740820, gnomAD 0.02%). This variant has not been reported in the literature in individuals affected with ABAT-related conditions. ClinVar contains an entry for this variant (Variation ID: 1484837). Variants that disrupt the consensus splice site are a relatively common cause of aberrant splicing (PMID: 17576681, 9536098). Algorithms developed to predict the effect of sequence changes on RNA splicing suggest that this variant is not likely to affect RNA splicing. In summary, the available evidence is currently insufficient to determine the role of this variant in disease. Therefore, it has been classified as a Variant of Uncertain Significance.

Literature cited by the submitters: PubMed 17576681; PubMed 9536098.